The following is an entry in ClinVar:

NM_001853.4(COL9A3):c.1698_1706del (p.561PPG[2])

Gene: COL9A3 (collagen type IX alpha 3 chain; plus strand). Cytogenetic location: 20q13.33.
Variant type: Deletion.
Coding change: c.1698_1706del on transcript NM_001853.4 (MANE Select); coding-DNA positions 1698 to 1706, 9 bases deleted (ACCCCCAGG; older notation c.1698_1706delACCCCCAGG).
Protein change: p.561PPG[2].
Molecular consequence: inframe deletion.
Genome position (GRCh38, 1-based): chr20:62,837,177-62,837,185, ACCCCCAGG deleted; deleting any 9 consecutive bases within chr20:62,837,169-62,837,185 gives the same sequence; the c. name uses the placement nearest the transcript's 3' end. VCF-style (leftmost placement, unchanged base first): chr20-62837168-GCCCCCAGGA-G. GRCh37 (hg19) VCF-style: chr20-61468520-GCCCCCAGGA-G.
Other names: p.Pro567_Gly569del; c.1698_1706del9 (NM_001853.3); c.1698_1706delACCCCCAGG (NM_001853.4).
Identifiers: ClinVar variation 1004731 (VCV001004731.41), dbSNP rs569423970, ClinGen allele CA9950154.

ClinVar aggregate classification (germline): Uncertain significance. Review status: criteria provided, multiple submitters, no conflicts (2 of 4 stars). 8 submissions from 8 submitters: Uncertain significance (8). Last evaluated 2026-08-24.

Conditions:
COL9A3-related disorder. Also called: COL9A3-related condition.

Submissions (8):

PreventionGenetics, part of Exact Sciences
Classification: Uncertain significance for COL9A3-related condition. Last evaluated: 2026-08-24. Review status: criteria provided, single submitter. Criteria: ACMG Guidelines, 2015. Collection method: clinical testing. Allele origin: germline.
Comment: The COL9A3 c.1698_1706del9 variant is predicted to result in an in-frame deletion (p.Pro567_Gly569del). This variant was reported in an individual with keratoconus (described as c.1690_1698del, Xu et al. 2020. PubMed ID: 32744102). This variant is reported in 0.040% of alleles in individuals of East Asian descent in gnomAD. However, in gnomAD v4 (available only on GRCh38), this variant is reported in 289 alleles out of 1,612,922 alleles total, which is not consistent with variant causative in autosomal dominant disorder. At this time, the clinical significance of this variant is uncertain due to the absence of conclusive functional and genetic evidence.

Women's Health and Genetics/Laboratory Corporation of America, LabCorp
Classification: Uncertain significance. Last evaluated: 2026-05-21. Review status: criteria provided, single submitter. Criteria: LabCorp Variant Classification Summary - May 2015. Collection method: clinical testing. Allele origin: germline.
Comment: Variant summary: COL9A3 c.1698_1706delACCCCCAGG (p.Pro567_Gly569del) results in an in-frame deletion that is predicted to remove one amino acid from the encoded protein. The variant allele was found at a frequency of 0.00019 in 249022 control chromosomes (gnomAD). This frequency is not significantly higher than estimated for disease-causing variants in COL9A3, allowing no conclusion about variant significance. To our knowledge, no occurrence of c.1698_1706delACCCCCAGG in individuals affected with COL9A3-related conditions and no experimental evidence demonstrating its impact on protein function have been reported. ClinVar contains an entry for this variant (Variation ID: 1004731). Based on the evidence outlined above, the variant was classified as uncertain significance.

Labcorp Genetics (formerly Invitae), Labcorp
Classification: Uncertain significance. Last evaluated: 2025-12-22. Review status: criteria provided, single submitter. Criteria: Invitae Variant Classification Sherloc (09022015). Collection method: clinical testing. Allele origin: germline.
Comment: This variant, c.1698_1706del, results in the deletion of 3 amino acid(s) of the COL9A3 protein (p.Pro567_Gly569del), but otherwise preserves the integrity of the reading frame. This variant is present in population databases (rs569423970, gnomAD 0.04%). This variant has not been reported in the literature in individuals affected with COL9A3-related conditions. ClinVar contains an entry for this variant (Variation ID: 1004731). Experimental studies and prediction algorithms are not available or were not evaluated, and the functional significance of this variant is currently unknown. In summary, the available evidence is currently insufficient to determine the role of this variant in disease. Therefore, it has been classified as a Variant of Uncertain Significance.

GeneDx
Classification: Uncertain significance. Last evaluated: 2025-10-01. Review status: criteria provided, single submitter. Criteria: GeneDx Variant Classification Process June 2021. Collection method: clinical testing. Allele origin: germline. Affected: yes.
Comment: Observed in an individual with Keratoconus (PMID: 32744102); In-frame deletion of 3 amino acid(s) in a non-repeat region; In silico analysis supports a deleterious effect on protein structure/function; This variant is associated with the following publications: (PMID: 32744102)

CeGaT Center for Human Genetics Tuebingen
Classification: Uncertain significance. Last evaluated: 2025-09-01. Review status: criteria provided, single submitter. Criteria: CeGaT Center For Human Genetics Tuebingen Variant Classification Criteria Version 2. Collection method: clinical testing. Allele origin: germline. Affected: yes. Observed: 2 variant alleles.
Comment: COL9A3: PM2, PM4

Blueprint Genetics
Classification: Uncertain significance. Last evaluated: 2024-10-16. Review status: criteria provided, single submitter. Criteria: ACMG Guidelines, 2015. Collection method: clinical testing. Allele origin: germline.

Mayo Clinic Laboratories, Mayo Clinic
Classification: Uncertain significance. Last evaluated: 2022-11-02. Review status: criteria provided, single submitter. Criteria: ACMG Guidelines, 2015. Collection method: clinical testing. Allele origin: germline. Observed: 1 variant allele.
Comment: BS1_supporting

Breakthrough Genomics
Classification: Uncertain significance. Review status: criteria provided, single submitter. Criteria: ACMG Guidelines, 2015. Collection method: not provided. Allele origin: germline. Inheritance: Autosomal dominant inheritance. Affected: yes.